The following is an entry in ClinVar:

ClinVar aggregate classification (germline): Uncertain significance. Review status: criteria provided, multiple submitters, no conflicts (2 of 4 stars). 2 submissions from 2 submitters: Uncertain significance (2). Last evaluated 2026-07-09.

Conditions:
TTN-related disorder. Also called: TTN-related disorders; TTN-related condition; TTN-related disease.

Allele frequency attached by ClinVar (database versions not stated): gnomAD exomes below 0.00001.
gnomAD v4.1: 4 of 1,605,938 alleles (0.00025%); highest among the groups gnomAD compares: African/African-American, 0.0054%; no homozygotes.

Submissions (2):

PreventionGenetics, part of Exact Sciences
Classification: Uncertain significance for TTN-related condition. Last evaluated: 2026-07-09. Review status: criteria provided, single submitter. Criteria: ACMG Guidelines, 2015. Collection method: clinical testing. Allele origin: germline.
Comment: The TTN c.57092G>A variant is predicted to result in the amino acid substitution p.Gly19031Glu. To our knowledge, this variant has not been reported in the literature or in a large population database (gnomAD), indicating this variant is rare. At this time, the clinical significance of this variant is uncertain due to the absence of conclusive functional and genetic evidence.

CeGaT Center for Human Genetics Tuebingen
Classification: Uncertain significance. Last evaluated: 2016-11-01. Review status: criteria provided, single submitter. Criteria: CeGaT Center For Human Genetics Tuebingen Variant Classification Criteria Version 2. Collection method: clinical testing. Allele origin: germline. Affected: yes. Observed: 1 variant allele.

NM_001267550.2(TTN):c.57092G>A (p.Gly19031Glu)

Genes: TTN (titin; minus strand), TTN-AS1 (TTN antisense RNA 1; plus strand). Cytogenetic location: 2q31.2.
Variant type: single nucleotide variant.
Coding change: c.57092G>A on transcript NM_001267550.2 (MANE Select); coding-DNA position 57092, G replaced by A.
Protein change: p.Gly19031Glu; replaces glycine 19031 with glutamic acid.
Molecular consequence: missense variant.
Genome position (GRCh38, 1-based): chr2:178,598,525, C>T on the plus strand (G>A on the coding strand, the complement: TTN is on the minus strand). VCF-style: chr2-178598525-C-T. GRCh37 (hg19) VCF-style: chr2-179463252-C-T.
Other names: c.52169G>A, p.Gly17390Glu (NM_001256850.1); c.29897G>A, p.Gly9966Glu (NM_003319.4); c.49388G>A, p.Gly16463Glu (NM_133378.4); c.30272G>A, p.Gly10091Glu (NM_133432.3); c.30473G>A, p.Gly10158Glu (NM_133437.4); short protein forms G19031E, G9966E, G17390E, G10091E, G10158E, G16463E.
Identifiers: ClinVar variation 425242 (VCV000425242.44), dbSNP rs1064797275, ClinGen allele CA16621778.